The following is an entry in ClinVar:

ClinVar aggregate classification (germline): Likely pathogenic (1 of 4 stars; one submission).

Conditions:
Brain abnormalities, neurodegeneration, and dysosteosclerosis. Identifiers: MedGen C5193117, MONDO:0032772, OMIM 618476.

Allele frequency attached by ClinVar (database versions not stated): TOPMed below 0.00001.

Submission:

Women's Health and Genetics/Laboratory Corporation of America, LabCorp
Classification: Likely pathogenic for Brain abnormalities, neurodegeneration, and dysosteosclerosis. Last evaluated: 2024-04-08. Review status: criteria provided, single submitter. Criteria: LabCorp Variant Classification Summary - May 2015. Collection method: clinical testing. Allele origin: germline.
Comment: Variant summary: CSF1R c.2545T>A (p.Phe849Ile) results in a non-conservative amino acid change in the encoded protein sequence. Five of five in-silico tools predict a damaging effect of the variant on protein function. The variant was absent in 250492 control chromosomes (gnomAD). c.2545T>A has been reported in the literature in individuals affected with CSF1R-related Leukoencephalopathy (Ishiguro_2023). These data indicate that the variant may be associated with disease. This publication reports experimental evidence evaluating an impact on protein function, finding that the variant results in a loss of ligand-dependent autophosphorylation of CSF1R. The following publication has been ascertained in the context of this evaluation (PMID: 36943150). ClinVar contains an entry for this variant (Variation ID: 1717337). Based on the evidence outlined above, the variant was classified as likely pathogenic.

Literature cited by the submitters: PubMed 36943150.

NM_001288705.3(CSF1R):c.2545T>A (p.Phe849Ile)

Gene: CSF1R (colony stimulating factor 1 receptor; minus strand). Cytogenetic location: 5q32.
Variant type: single nucleotide variant.
Coding change: c.2545T>A on transcript NM_001288705.3 (MANE Select); coding-DNA position 2545, T replaced by A.
Protein change: p.Phe849Ile; replaces phenylalanine 849 with isoleucine.
Molecular consequence: missense variant. On other transcripts: non-coding transcript variant (2).
Genome position (GRCh38, 1-based): chr5:150,056,035, A>T on the plus strand (T>A on the coding strand, the complement: CSF1R is on the minus strand). VCF-style: chr5-150056035-A-T. GRCh37 (hg19) VCF-style: chr5-149435598-A-T.
Other names: c.2545T>A, p.Phe849Ile (NM_001349736.2, NM_001375320.1, NM_005211.4); c.2101T>A, p.Phe701Ile (NM_001375321.1); short protein forms F701I, F849I.
Identifiers: ClinVar variation 3251449 (VCV003251449.1), dbSNP rs1757197459.